The following is an entry in ClinVar:

NM_000465.4(BARD1):c.2320C>G (p.Pro774Ala)

Gene: BARD1 (BRCA1 associated RING domain 1; minus strand). Cytogenetic location: 2q35.
Variant type: single nucleotide variant.
Coding change: c.2320C>G on transcript NM_000465.4 (MANE Select); coding-DNA position 2320, C replaced by G.
Protein change: p.Pro774Ala; replaces proline 774 with alanine.
Molecular consequence: missense variant. On other transcripts: non-coding transcript variant (3).
Genome position (GRCh38, 1-based): chr2:214,728,690, G>C on the plus strand (C>G on the coding strand, the complement: BARD1 is on the minus strand). VCF-style: chr2-214728690-G-C. GRCh37 (hg19) VCF-style: chr2-215593414-G-C.
Other names: c.2263C>G, p.Pro755Ala (NM_001282543.2); c.967C>G, p.Pro323Ala (NM_001282545.2); c.910C>G, p.Pro304Ala (NM_001282548.2); c.781C>G, p.Pro261Ala (NM_001282549.2); short protein forms P304A, P261A, P323A, P755A, P774A.
Identifiers: ClinVar variation 1789574 (VCV001789574.2), dbSNP rs2469266893, ClinGen allele CA350449683.
Genomic context (GRCh38, chr2:214,728,690, plus strand): 5'-CACAAACCGTGCAAATTCAATTTGAAATGTTCATCTGGTATAATATTCAGCTGTCAAGAG[G>C]AAGCAACTCAAAGGACATCACACAGTCTATAAACCAGCTCGAAGGAGCCTTCCAGACTTT-3'
Protein context (NP_000456.2, residues 764-777): IDCVMSFELL[Pro774Ala]LDS

ClinVar aggregate classification (germline): Uncertain significance (1 of 4 stars; one submission).

Conditions:
Hereditary cancer-predisposing syndrome. Also called: Hereditary Cancer Syndrome; Hereditary neoplastic syndrome; Tumor predisposition; Neoplastic Syndromes, Hereditary. Identifiers: Orphanet 140162, MedGen C0027672, MeSH D009386, MONDO:0015356.

Submission:

Ambry Genetics
Classification: Uncertain significance for Hereditary cancer-predisposing syndrome. Last evaluated: 2022-01-21. Review status: criteria provided, single submitter. Criteria: Ambry Variant Classification Scheme 2023. Collection method: clinical testing. Allele origin: germline.
Comment: The p.P774A variant (also known as c.2320C>G), located in coding exon 11 of the BARD1 gene, results from a C to G substitution at nucleotide position 2320. The proline at codon 774 is replaced by alanine, an amino acid with highly similar properties. This amino acid position is conserved. In addition, this alteration is predicted to be tolerated by in silico analysis. Since supporting evidence is limited at this time, the clinical significance of this alteration remains unclear.